The following is an entry in ClinVar:

ClinVar aggregate classification (germline): Uncertain significance (1 of 4 stars; one submission).

Allele frequency attached by ClinVar (database versions not stated): gnomAD exomes 0.00001; ExAC 0.00002; TOPMed 0.00008; gnomAD 0.00010.
gnomAD v4.1: 36 of 1,613,930 alleles (0.0022%); highest among the groups gnomAD compares: African/African-American, 0.027%; no homozygotes.

Submission:

Labcorp Genetics (formerly Invitae), Labcorp
Classification: Uncertain significance. Last evaluated: 2026-01-04. Review status: criteria provided, single submitter. Criteria: Invitae Variant Classification Sherloc (09022015). Collection method: clinical testing. Allele origin: germline.
Comment: This sequence change replaces valine, which is neutral and non-polar, with isoleucine, which is neutral and non-polar, at codon 909 of the DSCAML1 protein (p.Val909Ile). This variant is present in population databases (rs761551361, gnomAD 0.008%). This variant has not been reported in the literature in individuals affected with DSCAML1-related conditions. ClinVar contains an entry for this variant (Variation ID: 2150246). An algorithm developed to predict the effect of missense changes on protein structure and function outputs the following: PolyPhen-2: "Benign". The isoleucine amino acid residue is found in multiple mammalian species, which suggests that this missense change does not adversely affect protein function. In summary, the available evidence is currently insufficient to determine the role of this variant in disease. Therefore, it has been classified as a Variant of Uncertain Significance.

NM_020693.4(DSCAML1):c.2545G>A (p.Val849Ile)

Gene: DSCAML1 (DS cell adhesion molecule like 1; minus strand). Cytogenetic location: 11q23.3.
Variant type: single nucleotide variant.
Coding change: c.2545G>A on transcript NM_020693.4 (MANE Select); coding-DNA position 2545, G replaced by A.
Protein change: p.Val849Ile; replaces valine 849 with isoleucine.
Molecular consequence: missense variant.
Genome position (GRCh38, 1-based): chr11:117,481,977, C>T on the plus strand (G>A on the coding strand, the complement: DSCAML1 is on the minus strand). VCF-style: chr11-117481977-C-T. GRCh37 (hg19) VCF-style: chr11-117352692-C-T.
Other names: c.2545G>A, p.Val849Ile (NM_001367904.1); short protein forms V849I.
Identifiers: ClinVar variation 2150246 (VCV002150246.4), dbSNP rs761551361, ClinGen allele CA6296980.
Genomic context (GRCh38, chr11:117,481,977, plus strand): 5'-CTCTCTGAGAGTTGGGGTCCCCCAGCACTGAGGTGGGGGTGCTCACCTTCAGTGTGGAGA[C>T]GACCTCGTCGCCGTTGTCCTTGGTGGCGATGGCATACCGCATGACGCGGTCAGGGTCGAT-3'
Protein context (NP_065744.3, residues 839-859): IATKDNGDEV[Val849Ile]STLKLKPADR